The following is an entry in ClinVar:

ClinVar aggregate classification (germline): Uncertain significance (1 of 4 stars; one submission).

gnomAD v4.1: 1 of 1,613,970 alleles (0.000062%); highest among the groups gnomAD compares: Non-Finnish European, 0.000085%; no homozygotes.

Submission:

Ambry Genetics
Classification: Uncertain significance. Last evaluated: 2025-05-21. Review status: criteria provided, single submitter. Criteria: Ambry Variant Classification Scheme 2023. Collection method: clinical testing. Allele origin: germline.
Comment: The p.G1660E variant (also known as c.4979G>A), located in coding exon 21 of the WNK2 gene, results from a G to A substitution at nucleotide position 4979. The glycine at codon 1660 is replaced by glutamic acid, an amino acid with similar properties. This amino acid position is conserved. In addition, this alteration is predicted to be tolerated by in silico analysis. Based on the available evidence, the clinical significance of this variant remains unclear.

NM_006648.4(WNK2):c.4979G>A (p.Gly1660Glu)

Gene: WNK2 (WNK lysine deficient protein kinase 2; plus strand). Cytogenetic location: 9q22.31.
Variant type: single nucleotide variant.
Coding change: c.4979G>A on transcript NM_006648.4 (MANE Select); coding-DNA position 4979, G replaced by A.
Protein change: p.Gly1660Glu; replaces glycine 1660 with glutamic acid.
Molecular consequence: missense variant.
Genome position (GRCh38, 1-based): chr9:93,292,350, G>A. VCF-style: chr9-93292350-G-A. GRCh37 (hg19) VCF-style: chr9-96054632-G-A.
Other names: c.5090G>A, p.Gly1697Glu (NM_001282394.3); short protein forms G1697E, G1660E.
Identifiers: ClinVar variation 3982089 (VCV003982089.1).